The following is an entry in ClinVar:

NM_001267550.2(TTN):c.84181C>A (p.Pro28061Thr)

Genes: TTN (titin; minus strand), TTN-AS1 (TTN antisense RNA 1; plus strand). Cytogenetic location: 2q31.2.
Variant type: single nucleotide variant.
Coding change: c.84181C>A on transcript NM_001267550.2 (MANE Select); coding-DNA position 84181, C replaced by A.
Protein change: p.Pro28061Thr; replaces proline 28061 with threonine.
Molecular consequence: missense variant.
Genome position (GRCh38, 1-based): chr2:178,561,951, G>T on the plus strand (C>A on the coding strand, the complement: TTN is on the minus strand). VCF-style: chr2-178561951-G-T. GRCh37 (hg19) VCF-style: chr2-179426678-G-T.
Other names: c.79258C>A, p.Pro26420Thr (NM_001256850.1); c.56986C>A, p.Pro18996Thr (NM_003319.4); c.76477C>A, p.Pro25493Thr (NM_133378.4); c.57361C>A, p.Pro19121Thr (NM_133432.3); c.57562C>A, p.Pro19188Thr (NM_133437.4); short protein forms P18996T, P28061T, P19121T, P19188T, P25493T, P26420T.
Identifiers: ClinVar variation 1749115 (VCV001749115.4), dbSNP rs373806358, ClinGen allele CA60985225.

ClinVar aggregate classification (germline): Uncertain significance. Review status: criteria provided, multiple submitters, no conflicts (2 of 4 stars). 2 submissions from 2 submitters: Uncertain significance (2). Last evaluated 2025-04-14.

Conditions:
Cardiovascular phenotype. Identifiers: MedGen CN230736.

Allele frequency attached by ClinVar (database versions not stated): gnomAD 0.00001; TOPMed 0.00001; ESP Exome Variant Server 0.00008.
gnomAD v4.1: 6 of 1,613,078 alleles (0.00037%); highest among the groups gnomAD compares: Non-Finnish European, 0.00042%; no homozygotes.

Submissions (2):

GeneDx
Classification: Uncertain significance. Last evaluated: 2025-04-14. Review status: criteria provided, single submitter. Criteria: GeneDx Variant Classification Process June 2021. Collection method: clinical testing. Allele origin: germline.
Comment: Not observed at significant frequency in large population cohorts (gnomAD); Missense variant in a gene in which most reported pathogenic variants are truncating/loss of function; Has not been previously published as pathogenic or benign to our knowledge; Located in the A-band region of TTN in which the majority of loss of function variants have been associated with autosomal dominant titinopathies (Herman et al., 2012)

Ambry Genetics
Classification: Uncertain significance for Cardiovascular phenotype. Last evaluated: 2019-07-22. Review status: criteria provided, single submitter. Criteria: Ambry Variant Classification Scheme 2023. Collection method: clinical testing. Allele origin: germline.
Comment: The p.P18996T variant (also known as c.56986C>A), located in coding exon 153 of the TTN gene, results from a C to A substitution at nucleotide position 56986. The proline at codon 18996 is replaced by threonine, an amino acid with highly similar properties. This amino acid position is not well conserved in available vertebrate species. In addition, this alteration is predicted to be tolerated by in silico analysis. Since supporting evidence is limited at this time, the clinical significance of this alteration remains unclear.